The following is an entry in ClinVar:

NM_177924.5(ASAH1):c.304-1G>A

Gene: ASAH1 (N-acylsphingosine amidohydrolase 1; minus strand). Cytogenetic location: 8p22.
Variant type: single nucleotide variant.
Coding change: c.304-1G>A on transcript NM_177924.5 (MANE Select); the canonical splice acceptor site of the intron before coding-DNA position 304, G replaced by A.
Molecular consequence: splice acceptor variant.
Genome position (GRCh38, 1-based): chr8:18,067,299, C>T on the plus strand (G>A on the coding strand, the complement: ASAH1 is on the minus strand). VCF-style: chr8-18067299-C-T. GRCh37 (hg19) VCF-style: chr8-17924808-C-T.
Other names: c.352-1G>A (NM_004315.6); c.286-1G>A (NM_001127505.3); c.109-1G>A (NM_001363743.2).
Identifiers: ClinVar variation 3722316 (VCV003722316.2).

ClinVar aggregate classification (germline): Likely pathogenic (1 of 4 stars; one submission).

gnomAD v4.1: 1 of 1,581,638 alleles (0.000063%); highest among the groups gnomAD compares: Admixed American, 0.0017%; no homozygotes.

Submission:

Labcorp Genetics (formerly Invitae), Labcorp
Classification: Likely pathogenic. Last evaluated: 2024-10-06. Review status: criteria provided, single submitter. Criteria: Invitae Variant Classification Sherloc (09022015). Collection method: clinical testing. Allele origin: germline.
Comment: This sequence change affects an acceptor splice site in intron 4 of the ASAH1 gene. It is expected to disrupt RNA splicing. Variants that disrupt the donor or acceptor splice site typically lead to a loss of protein function (PMID: 16199547), and loss-of-function variants in ASAH1 are known to be pathogenic (PMID: 24164096, 24355074). This variant is not present in population databases (gnomAD no frequency). This variant has not been reported in the literature in individuals affected with ASAH1-related conditions. Algorithms developed to predict the effect of sequence changes on RNA splicing suggest that this variant may disrupt the consensus splice site. In summary, the currently available evidence indicates that the variant is pathogenic, but additional data are needed to prove that conclusively. Therefore, this variant has been classified as Likely Pathogenic.

Literature cited by the submitters: PubMed 16199547; PubMed 24164096; PubMed 24355074.